The following is an entry in ClinVar:

NM_001009944.3(PKD1):c.8511C>T (p.Gly2837=)

Gene: PKD1 (polycystin 1, transient receptor potential channel interacting; minus strand). Cytogenetic location: 16p13.3.
Variant type: single nucleotide variant.
Coding change: c.8511C>T on transcript NM_001009944.3 (MANE Select); coding-DNA position 8511, C replaced by T.
Protein change: p.Gly2837=; no amino-acid change (glycine 2837 retained).
Molecular consequence: synonymous variant.
Genome position (GRCh38, 1-based): chr16:2,103,546, G>A on the plus strand (C>T on the coding strand, the complement: PKD1 is on the minus strand). VCF-style: chr16-2103546-G-A. GRCh37 (hg19) VCF-style: chr16-2153547-G-A.
Other names: c.8511C>T, p.Gly2837= (NM_000296.4).
Identifiers: ClinVar variation 3039808 (VCV003039808.2), dbSNP rs750550230, ClinGen allele CA7830497.
Genomic context (GRCh38, chr16:2,103,546, plus strand): 5'-GGCCTGTGTCTGGAATGCCATCGAGGCCACCTTGGTGGAGACGGTGTAGTTGCTGATATA[G>A]CCAAAGGGAAAGGGATTGGAGTCCACCAGAAAGATGAGCTGCACCACGTCACTGAGGTTG-3'
Protein context (NP_001009944.3, residues 2827-2847): FLVDSNPFPF[Gly2837=]YISNYTVSTK

ClinVar aggregate classification (germline): Likely benign (0 of 4 stars; one submission).

Conditions:
PKD1-related disorder. Also called: PKD1-related condition.

Allele frequency attached by ClinVar (database versions not stated): ExAC 0.00001; gnomAD exomes 0.00002; TOPMed 0.00002; gnomAD 0.00003.
gnomAD v4.1: 34 of 1,609,074 alleles (0.0021%); highest among the groups gnomAD compares: Middle Eastern, 0.09%; no homozygotes.

Submission:

PreventionGenetics, part of Exact Sciences
Classification: Likely benign for PKD1-related condition. Last evaluated: 2019-09-26. Review status: no assertion criteria provided. Collection method: clinical testing. Allele origin: germline.
Comment: This variant is classified as likely benign based on ACMG/AMP sequence variant interpretation guidelines (Richards et al. 2015 PMID: 25741868, with internal and published modifications).